The following is an entry in ClinVar:

NM_003183.6(ADAM17):c.148A>G (p.Ile50Val)

Gene: ADAM17 (ADAM metallopeptidase domain 17; minus strand). Cytogenetic location: 2p25.1.
Variant type: single nucleotide variant.
Coding change: c.148A>G on transcript NM_003183.6 (MANE Select); coding-DNA position 148, A replaced by G.
Protein change: p.Ile50Val; replaces isoleucine 50 with valine.
Molecular consequence: missense variant.
Genome position (GRCh38, 1-based): chr2:9,543,235, T>C on the plus strand (A>G on the coding strand, the complement: ADAM17 is on the minus strand). VCF-style: chr2-9543235-T-C. GRCh37 (hg19) VCF-style: chr2-9683364-T-C.
Other names: p.Ile50Val; c.148A>G, p.Ile50Val (LRG_1203t1); short protein forms I50V.
Identifiers: ClinVar variation 472722 (VCV000472722.50), dbSNP rs61754178, ClinGen allele CA1523855.

ClinVar aggregate classification (germline): Likely benign. Review status: criteria provided, multiple submitters, no conflicts (2 of 4 stars). 9 submissions from 9 submitters: Likely benign (5). 4 of the submissions do not count toward it. Last evaluated 2026-08-01.

Conditions:
ADAM17-related disorder. Also called: ADAM17-related condition.
Inflammatory skin and bowel disease, neonatal, 1. Identifiers: Orphanet 294023, MedGen C3280501, MONDO:0013693, OMIM 614328.

Allele frequency attached by ClinVar (database versions not stated): 1000 Genomes Project 0.00180; 1000 Genomes Project 30x 0.00187; ESP Exome Variant Server 0.00300; ExAC 0.00370; gnomAD exomes 0.00376 and 0.00463; gnomAD 0.00408 and 0.00443; TOPMed 0.00412.
gnomAD v4.1: 7,326 of 1,610,016 alleles (0.46%); highest among the groups gnomAD compares: Admixed American, 0.55%; 25 homozygotes.

Submissions (9):

CeGaT Center for Human Genetics Tuebingen
Classification: Likely benign. Last evaluated: 2026-08-01. Review status: criteria provided, single submitter. Criteria: CeGaT Center For Human Genetics Tuebingen Variant Classification Criteria Version 2. Collection method: clinical testing. Allele origin: germline. Affected: yes. Observed: 10 variant alleles.
Comment: ADAM17: BS2

Women's Health and Genetics/Laboratory Corporation of America, LabCorp
Classification: Likely benign. Last evaluated: 2026-01-30. Review status: criteria provided, single submitter. Criteria: LabCorp Variant Classification Summary - May 2015. Collection method: clinical testing. Allele origin: germline.
Comment: Variant summary: ADAM17 c.148A>G (p.Ile50Val) results in a conservative amino acid change in the encoded protein sequence. Algorithms developed to predict the effect of missense changes on protein structure and function are either unavailable or do not agree on the potential impact of this missense change. The variant allele was found at a frequency of 0.0038 in 248098 control chromosomes in the gnomAD database, including 5 homozygotes. The observed variant frequency exceeds the estimated maximal expected allele frequency for disease-causing variants in ADAM17. To our knowledge, no occurrence of c.148A>G in individuals affected with ADAM17-related conditions and no experimental evidence demonstrating its impact on protein function have been reported. ClinVar contains an entry for this variant (Variation ID: 472722). Based on the evidence outlined above, the variant was classified as likely benign.

Labcorp Genetics (formerly Invitae), Labcorp
Classification: Likely benign for Inflammatory skin and bowel disease, neonatal, 1. Last evaluated: 2026-01-29. Review status: criteria provided, single submitter. Criteria: Invitae Variant Classification Sherloc (09022015). Collection method: clinical testing. Allele origin: germline.

Mayo Clinic Laboratories, Mayo Clinic
Classification: Likely benign. Last evaluated: 2025-09-01. Review status: criteria provided, single submitter. Criteria: ACMG Guidelines, 2015. Collection method: clinical testing. Allele origin: germline. Observed: 10 variant alleles.
Comment: BS1, BS2, BP4_moderate

Breakthrough Genomics
Classification: Likely benign. Review status: criteria provided, single submitter. Criteria: ACMG Guidelines, 2015. Collection method: not provided. Allele origin: germline. Inheritance: Autosomal recessive inheritance. Affected: yes.

PreventionGenetics, part of Exact Sciences
Classification: Likely benign for ADAM17-related condition. Last evaluated: 2019-10-14. Review status: no assertion criteria provided. Collection method: clinical testing. Allele origin: germline. Not counted in ClinVar's aggregate classification.
Comment: This variant is classified as likely benign based on ACMG/AMP sequence variant interpretation guidelines (Richards et al. 2015 PMID: 25741868, with internal and published modifications).

Clinical Genetics DNA and cytogenetics Diagnostics Lab, Erasmus MC, Erasmus Medical Center
Classification: Likely benign. Review status: no assertion criteria provided. Collection method: clinical testing. Allele origin: germline. Affected: yes. Study: VKGL Data-share Consensus. Not counted in ClinVar's aggregate classification.

Diagnostic Laboratory, Department of Genetics, University Medical Center Groningen
Classification: Likely benign. Review status: no assertion criteria provided. Collection method: clinical testing. Allele origin: germline. Affected: yes. Study: VKGL Data-share Consensus. Not counted in ClinVar's aggregate classification.

Genome Diagnostics Laboratory, University Medical Center Utrecht
Classification: Likely benign. Review status: no assertion criteria provided. Collection method: clinical testing. Allele origin: germline. Affected: yes. Study: VKGL Data-share Consensus. Not counted in ClinVar's aggregate classification.

Literature cited by the submitters: PubMed 31431992 (cited by Mayo Clinic Laboratories, Mayo Clinic).